The following is an entry in ClinVar:

ClinVar aggregate classification (germline): Uncertain significance (1 of 4 stars; one submission).

Conditions:
Inborn genetic diseases. Identifiers: MedGen C0950123, MeSH D030342.

Allele frequency attached by ClinVar (database versions not stated): TOPMed 0.00002; ExAC 0.00001; gnomAD 0.00001.
gnomAD v4.1: 7 of 1,462,722 alleles (0.00048%); highest among the groups gnomAD compares: Admixed American, 0.0025%; no homozygotes.

Submission:

Ambry Genetics
Classification: Uncertain significance for Inborn genetic diseases. Last evaluated: 2026-07-28. Review status: criteria provided, single submitter. Criteria: Ambry Variant Classification Scheme 2023. Collection method: clinical testing. Allele origin: germline.
Comment: The c.3128C>G (p.P1043R) alteration is located in exon 26 (coding exon 26) of the SMARCC2 gene. This alteration results from a C to G substitution at nucleotide position 3128, causing the proline (P) at amino acid position 1043 to be replaced by an arginine (R). Based on data from gnomAD, the G allele has an overall frequency of 0.001% (1/148014) total alleles studied. The highest observed frequency was 0.006% (1/16300) of Latino alleles. Based on insufficient or conflicting evidence, the clinical significance of this alteration remains unclear.

NM_001330288.2(SMARCC2):c.3221C>G (p.Pro1074Arg)

Gene: SMARCC2 (SWI/SNF related BAF chromatin remodeling complex subunit C2; minus strand). Cytogenetic location: 12q13.2.
Variant type: single nucleotide variant.
Coding change: c.3221C>G on transcript NM_001330288.2 (MANE Select); coding-DNA position 3221, C replaced by G.
Protein change: p.Pro1074Arg; replaces proline 1074 with arginine.
Molecular consequence: missense variant.
Genome position (GRCh38, 1-based): chr12:56,165,329, G>C on the plus strand (C>G on the coding strand, the complement: SMARCC2 is on the minus strand). VCF-style: chr12-56165329-G-C. GRCh37 (hg19) VCF-style: chr12-56559113-G-C.
Other names: c.3221C>G, p.Pro1074Arg (NM_001130420.3, NM_139067.4); c.3128C>G, p.Pro1043Arg (NM_003075.5); short protein forms P1074R, P1043R.
Identifiers: ClinVar variation 3166335 (VCV003166335.2), dbSNP rs749820075, ClinGen allele CA6625617.